The following continues an entry in ClinVar:

NM_000257.4(MYH7):c.1106G>A (p.Arg369Gln)

Gene: MYH7. ClinVar aggregate classification (germline): Likely pathogenic. Likely pathogenic (1).

Submissions 11 to 16 of 16:

CHEO Genetics Diagnostic Laboratory, Children's Hospital of Eastern Ontario
Classification: Likely pathogenic for Cardiomyopathy. Last evaluated: 2019-11-05. Review status: criteria provided, single submitter. Criteria: ACMG Guidelines, 2015. Collection method: clinical testing. Allele origin: germline. Not counted in ClinVar's aggregate classification.

Women's Health and Genetics/Laboratory Corporation of America, LabCorp
Classification: Pathogenic for Cardiovascular phenotype. Last evaluated: 2017-08-15. Review status: criteria provided, single submitter. Criteria: LabCorp Variant Classification Summary - May 2015. Collection method: clinical testing. Allele origin: germline. Not counted in ClinVar's aggregate classification.
Comment: Variant summary: The MYH7 c.1106G>A (p.Arg369Gln) variant causes a missense change involving the alteration of a conserved nucleotide located in the P-loop containing nucleoside triphosphate hydrolase domain (IPR027417) (InterPro). 3/5 in silico tools predict a damaging outcome for this variant. This variant was not found in the large control database ExAC and a published study (Lakdawala_TNNT2_J Cardiac Failure_2012) in 122186 control chromosomes. This variant was found in multiple DCM pediatric patients, including de novo occurrences (Walsh_2017, Tian_2015, Lakdawala_2012, Pugh_2014). This variant was also associated with Left ventricular non-compaction (LVNC) in addition to DCM (Dellefave_2009, Hoedemaekers_2010, Tian_2015). In addition, multiple clinical diagnostic laboratories/reputable databases classified this variant as pathogenic/likely pathogenic. Taken together, this variant is classified as pathogenic.

Stanford Center for Inherited Cardiovascular Disease, Stanford University
Classification: Pathogenic. Last evaluated: 2016-03-29. Review status: criteria provided, single submitter. Criteria: ACMG Guidelines, 2015. Collection method: provider interpretation. Allele origin: germline. Not counted in ClinVar's aggregate classification.

Laboratory for Molecular Medicine, Mass General Brigham Personalized Medicine
Classification: Pathogenic for Primary dilated cardiomyopathy; Left ventricular noncompaction. Last evaluated: 2014-11-24. Review status: criteria provided, single submitter. Criteria: LMM Criteria. Collection method: clinical testing. Allele origin: germline. Inheritance: Autosomal dominant inheritance. Observed: 11 variant alleles. Not counted in ClinVar's aggregate classification.
Comment: In two of these cases, the variant occurred de novo (De llafave 2009, Lakdawala 2012, LMM unpublished data). Additionally, this variant was observed to segregate with disease in 3 affected relatives from 2 families ( LMM unpublished data) and was absent from large population studies. Arginine (Ar g) at position 369 is highly conserved in mammals and the change to glutamine (G ln) was predicted to be pathogenic using a computational tool clinically validat ed by our laboratory. This tool's pathogenic prediction is estimated to be corre ct 94% of the time (Jordan 2011). In summary, this variant meets our criteria to be classified as pathogenic for DCM and LVNC in an autosomal dominant manner based upon multiple de novo occ urrences and segregation studies.

Rady Children's Institute for Genomic Medicine, Rady Children's Hospital San Diego
Classification: Pathogenic for MYH7-related disorders. Review status: criteria provided, single submitter. Criteria: ACMG Guidelines, 2015. Collection method: clinical testing. Allele origin: germline. Affected: yes. Not counted in ClinVar's aggregate classification.
Comment: This variant has been previously reported as a heterozygous inherited and de novo change in patients with left ventricular non-compaction, dilated cardiomyopathy and heart failure (PMID: 20031619, 24503780, 24691700, 27532257, 29892087, 32458740). This variant is located in a region of the protein that is enriched with disease-causing missense alterations (PMID: 27532257). It is absent from the gnomAD population database and thus is presumed to be rare. In silico tools used to predict the effect of this variant on protein function yield discordant results. Analysis of the parental samples was negative for the variant, indicating this variant likely occurred as a de novo event. Based on the available evidence, the c.1106G>A (p.Arg369Gln) variant is classified as Pathogenic.

Institut für Laboratoriums- und Transfusionsmedizin, Herz- und Diabeteszentrum Nordrhein-Westfalen
Classification: Likely pathogenic for Dilated cardiomyopathy 1S. Last evaluated: 2016-05-01. Review status: no assertion criteria provided. Collection method: research. Allele origin: germline. Affected: yes. Observed: 1 variant allele. Not counted in ClinVar's aggregate classification.

Literature cited by the submitters: PubMed 29300372 (cited by ClinGen Cardiomyopathy Variant Curation Expert Panel); PubMed 20031619 (cited by 3 submitters); PubMed 22464770 (cited by 3 submitters); PubMed 24691700 (cited by 4 submitters); PubMed 27532257 (cited by Ambry Genetics and Women's Health and Genetics/Laboratory Corporation of America, LabCorp); PubMed 29892087 (cited by Ambry Genetics); PubMed 20530761 (cited by Labcorp Genetics (formerly Invitae), Labcorp and Women's Health and Genetics/Laboratory Corporation of America, LabCorp); PubMed 24503780 (cited by Labcorp Genetics (formerly Invitae), Labcorp and Women's Health and Genetics/Laboratory Corporation of America, LabCorp); PubMed 37673932 (cited by Daryl Scott Lab, Baylor College of Medicine); PubMed 18519860 (cited by Women's Health and Genetics/Laboratory Corporation of America, LabCorp).